The following is an entry in ClinVar:

NM_006031.6(PCNT):c.9713G>A (p.Arg3238Gln)

Gene: PCNT (pericentrin; plus strand). Cytogenetic location: 21q22.3.
Variant type: single nucleotide variant.
Coding change: c.9713G>A on transcript NM_006031.6 (MANE Select); coding-DNA position 9713, G replaced by A.
Protein change: p.Arg3238Gln; replaces arginine 3238 with glutamine.
Molecular consequence: missense variant.
Genome position (GRCh38, 1-based): chr21:46,443,822, G>A. VCF-style: chr21-46443822-G-A. GRCh37 (hg19) VCF-style: chr21-47863735-G-A.
Other names: c.9122G>A, p.Arg3041Gln (NM_001315529.2); short protein forms R3041Q, R3238Q.
Identifiers: ClinVar variation 3354647 (VCV003354647.1).

ClinVar aggregate classification (germline): Uncertain significance (0 of 4 stars; one submission).

Conditions:
PCNT-related disorder. Also called: PCNT-related condition.

gnomAD v4.1: 13 of 1,613,584 alleles (0.00081%); highest among the groups gnomAD compares: Admixed American, 0.0033%; no homozygotes.

Submission:

PreventionGenetics, part of Exact Sciences
Classification: Uncertain significance for PCNT-related condition. Last evaluated: 2024-07-17. Review status: no assertion criteria provided. Collection method: clinical testing. Allele origin: germline.
Comment: The PCNT c.9713G>A variant is predicted to result in the amino acid substitution p.Arg3238Gln. To our knowledge, this variant has not been reported in the literature. This variant is reported in 0.0058% of alleles in individuals of Latino descent in gnomAD. At this time, the clinical significance of this variant is uncertain due to the absence of conclusive functional and genetic evidence.